The following is an entry in ClinVar:

NM_004960.4(FUS):c.669CGG[5] (p.Gly231del)

Gene: FUS (FUS RNA binding protein; plus strand). Cytogenetic location: 16p11.2.
Variant type: Microsatellite.
Coding change: c.669CGG[5] on transcript NM_004960.4 (MANE Select); five copies in a row of the 3-base unit CGG starting at c.669; the reference has six copies in a row; one copy, 3 bases deleted; also written c.684_686del.
Protein change: p.Gly231del; deletes glycine 231.
Molecular consequence: inframe deletion. On other transcripts: non-coding transcript variant (1).
Genome position (GRCh38, 1-based): chr16:31,185,099-31,185,101, CGG deleted; deleting any 3 consecutive bases within chr16:31,185,082-31,185,101 gives the same sequence; the position shown is the placement nearest the transcript's 3' end. VCF-style (leftmost placement, unchanged base first): chr16-31185081-TGGC-T. GRCh37 (hg19) VCF-style: chr16-31196402-TGGC-T.
Other names: p.Gly231del; c.684_686delCGG (NM_004960.4, NM_004960.3); c.684_686del (NM_004960.3); c.666CGG[5], p.Gly230del (NM_001170634.1); c.657CGG[5], p.Gly227del (NM_001170937.1); short protein forms G231del, G227del, G230del.
Identifiers: ClinVar variation 540283 (VCV000540283.17), dbSNP rs72550890, ClinGen allele CA8023738.
Genomic context (GRCh38, chr16:31,185,081, plus strand): 5'-AGGTGGCAGCGGTGGCTATGGACAGCAGGACCGTGGAGGCCGCGGCAGGGGTGGCAGTGG[TGGC>T]GGCGGCGGCGGCGGCGGTGGTGGTTACAACCGCAGCAGTGGTGGCTATGAACCCAGAGGT-3'

ClinVar aggregate classification (germline): Likely benign. Review status: criteria provided, multiple submitters, no conflicts (2 of 4 stars). 5 submissions from 5 submitters: Likely benign (4). 1 of the submissions does not count toward it. Last evaluated 2025-11-20.

Conditions:
Inborn genetic diseases. Identifiers: MedGen C0950123, MeSH D030342.
FUS-related disorder. Also called: FUS-related condition.
Amyotrophic lateral sclerosis type 6. Also called: Amyotrophic lateral sclerosis 6, with or without frontotemporal dementia; FUS-Related Amyotrophic Laterial Sclerosis; AMYOTROPHIC LATERAL SCLEROSIS 6 WITHOUT FRONTOTEMPORAL DEMENTIA. Identifiers: Orphanet 275872, Orphanet 803, MedGen C2931786, MONDO:0011951, OMIM 608030.
Tremor, hereditary essential, 4 (ETM4). Identifiers: MedGen C3539195, MONDO:0013888, OMIM 614782.

Submissions (5):

Mayo Clinic Laboratories, Mayo Clinic
Classification: Likely benign. Last evaluated: 2025-11-20. Review status: criteria provided, single submitter. Criteria: ACMG Guidelines, 2015. Collection method: clinical testing. Allele origin: germline. Observed: 2 variant alleles.
Comment: BS1, BS2

Labcorp Genetics (formerly Invitae), Labcorp
Classification: Likely benign for Tremor, hereditary essential, 4; Amyotrophic lateral sclerosis type 6. Last evaluated: 2025-09-25. Review status: criteria provided, single submitter. Criteria: Invitae Variant Classification Sherloc (09022015). Collection method: clinical testing. Allele origin: germline.

Women's Health and Genetics/Laboratory Corporation of America, LabCorp
Classification: Likely benign. Last evaluated: 2025-06-27. Review status: criteria provided, single submitter. Criteria: LabCorp Variant Classification Summary - May 2015. Collection method: clinical testing. Allele origin: germline.
Comment: Variant summary: FFUS c.684_686delCGG (p.Gly231del) results in an in-frame deletion that is predicted to remove one amino acid from the encoded protein. The variant allele was found at a frequency of 0.0003 in 1606830 control chromosomes, predominantly at a frequency of 0.0018 within the African or African-American subpopulation in the gnomAD database, including 4 homozygotes. The observed variant frequency within African or African-American control individuals in the gnomAD database exceeds the estimated maximal expected allele frequency for a pathogenic variant in FUS causing Amyotrophic Lateral Sclerosis Type 6 phenotype. To our knowledge, no experimental evidence demonstrating its impact on protein function has been reported. ClinVar contains an entry for this variant (Variation ID: 540283). Based on the evidence outlined above, the variant was classified as likely benign.

Ambry Genetics
Classification: Likely benign for Inborn genetic diseases. Last evaluated: 2019-11-04. Review status: criteria provided, single submitter. Criteria: Ambry Variant Classification Scheme 2023. Collection method: clinical testing. Allele origin: germline.

PreventionGenetics, part of Exact Sciences
Classification: Likely benign for FUS-related condition. Last evaluated: 2023-09-25. Review status: no assertion criteria provided. Collection method: clinical testing. Allele origin: germline. Not counted in ClinVar's aggregate classification.
Comment: This variant is classified as likely benign based on ACMG/AMP sequence variant interpretation guidelines (Richards et al. 2015 PMID: 25741868, with internal and published modifications).

Literature cited by the submitters: PubMed 22244934 (cited by Mayo Clinic Laboratories, Mayo Clinic); PubMed 32941707 (cited by Mayo Clinic Laboratories, Mayo Clinic); PubMed 34305575 (cited by Mayo Clinic Laboratories, Mayo Clinic).